The following is an entry in ClinVar:

ClinVar aggregate classification (germline): Uncertain significance. Review status: criteria provided, multiple submitters, no conflicts (2 of 4 stars). 2 submissions from 2 submitters: Uncertain significance (2). Last evaluated 2026-03-26.

Conditions:
RNF213-related disorder. Also called: RNF213-related condition.

gnomAD v4.1: 210 of 1,614,052 alleles (0.013%); highest among the groups gnomAD compares: Non-Finnish European, 0.017%; no homozygotes.

Submissions (2):

PreventionGenetics, part of Exact Sciences
Classification: Uncertain significance for RNF213-related condition. Last evaluated: 2026-03-26. Review status: criteria provided, single submitter. Criteria: ACMG Guidelines, 2015. Collection method: clinical testing. Allele origin: germline.
Comment: The RNF213 c.7840G>A variant is predicted to result in the amino acid substitution p.Val2614Met. To our knowledge, this variant has not been reported in the literature. This variant is reported in 0.0085% of alleles in individuals of European (Non-Finnish) descent in gnomAD. At this time, the clinical significance of this variant is uncertain due to the absence of conclusive functional and genetic evidence.

Labcorp Genetics (formerly Invitae), Labcorp
Classification: Uncertain significance. Last evaluated: 2025-06-30. Review status: criteria provided, single submitter. Criteria: Invitae Variant Classification Sherloc (09022015). Collection method: clinical testing. Allele origin: germline.
Comment: This sequence change replaces valine, which is neutral and non-polar, with methionine, which is neutral and non-polar, at codon 2614 of the RNF213 protein (p.Val2614Met). This variant is present in population databases (rs375548876, gnomAD 0.009%). This missense change has been observed in individual(s) with clinical features of Moyamoya disease (internal data). Invitae Evidence Modeling of protein sequence and biophysical properties (such as structural, functional, and spatial information, amino acid conservation, physicochemical variation, residue mobility, and thermodynamic stability) indicates that this missense variant is not expected to disrupt RNF213 protein function with a negative predictive value of 95%. In summary, the available evidence is currently insufficient to determine the role of this variant in disease. Therefore, it has been classified as a Variant of Uncertain Significance.

NM_001256071.3(RNF213):c.7840G>A (p.Val2614Met)

Gene: RNF213 (ring finger protein 213; plus strand). Cytogenetic location: 17q25.3.
Variant type: single nucleotide variant.
Coding change: c.7840G>A on transcript NM_001256071.3 (MANE Select); coding-DNA position 7840, G replaced by A.
Protein change: p.Val2614Met; replaces valine 2614 with methionine.
Molecular consequence: missense variant.
Genome position (GRCh38, 1-based): chr17:80,346,175, G>A. VCF-style: chr17-80346175-G-A. GRCh37 (hg19) VCF-style: chr17-78319975-G-A.
Other names: c.7987G>A, p.Val2663Met (NM_001410195.1, NM_020914.5); c.7840G>A (NM_001256071.2); short protein forms V2663M, V2614M.
Identifiers: ClinVar variation 4752913 (VCV004752913.2).
Genomic context (GRCh38, chr17:80,346,175, plus strand): 5'-ATCCAGCAGATTGTCCAGAGACTGGTTGAGTCCATCAGCCTAGATGAAAACGGGACTCGC[G>A]TGATCACAGAAGTCCTCTGCGCCTCTCAGGGTTTCATGAGGAAAACAGAAGATGAGTGCA-3'
Protein context (NP_001243000.2, residues 2604-2624): SISLDENGTR[Val2614Met]ITEVLCASQG